The following is an entry in ClinVar:

ClinVar aggregate classification (germline): Likely benign. Review status: criteria provided, multiple submitters, no conflicts (2 of 4 stars). 5 submissions from 5 submitters: Likely benign (5). Last evaluated 2025-09-19.

Conditions:
Cardiovascular phenotype. Identifiers: MedGen CN230736.
Arrhythmogenic right ventricular cardiomyopathy (ARVD). Also called: Cardiomyopathy, ARVC; Arrhythmogenic right ventricular dysplasia; Arrhythmogenic cardiomyopathy; Arrhythmogenic Right Ventricular Cardiomyopathy (ARVC). Identifiers: Orphanet 247, MedGen C0349788, MeSH D019571, MONDO:0016587. Disease mechanism: loss of function. Inheritance: Various modes of inheritance.
Cardiomyopathy (CMYO). Also called: Cardiomyopathies. Identifiers: Orphanet 167848, MedGen C0878544, MONDO:0004994, HP:0001638. Inheritance: Various modes of inheritance.
Arrhythmogenic right ventricular dysplasia 9 (ARVD9). Also called: Arrhythmogenic Right Ventricular Dysplasia/Cardiomyopathy 9; ARRHYTHMOGENIC RIGHT VENTRICULAR DYSPLASIA, FAMILIAL, 9. Identifiers: MedGen C1836906, MONDO:0012180, OMIM 609040.

Allele frequency attached by ClinVar (database versions not stated): gnomAD exomes 0.00002 and 0.00004; ExAC 0.00003.
gnomAD v4.1: 29 of 1,611,178 alleles (0.0018%); highest among the groups gnomAD compares: South Asian, 0.019%; no homozygotes.

Submissions (5):

Labcorp Genetics (formerly Invitae), Labcorp
Classification: Likely benign for Arrhythmogenic right ventricular dysplasia 9. Last evaluated: 2025-09-19. Review status: criteria provided, single submitter. Criteria: Invitae Variant Classification Sherloc (09022015). Collection method: clinical testing. Allele origin: germline.

All of Us Research Program, National Institutes of Health
Classification: Likely benign for Arrhythmogenic right ventricular cardiomyopathy. Last evaluated: 2024-05-09. Review status: criteria provided, single submitter. Criteria: ACMG Guidelines, 2015. Collection method: clinical testing. Allele origin: germline. Inheritance: Autosomal dominant inheritance. Observed: 6 variant alleles, 6 heterozygotes.
Comment: This study involves interpretation of variants in research participants for the purpose of population health screening. Participant phenotype was not available at the time of variant classification. Additional details can be found in publication PMID: 35346344, PMCID: PMC8962531

Ambry Genetics
Classification: Likely benign for Cardiovascular phenotype. Last evaluated: 2019-06-09. Review status: criteria provided, single submitter. Criteria: Ambry Variant Classification Scheme 2023. Collection method: clinical testing. Allele origin: germline.

Color Diagnostics, LLC DBA Color Health
Classification: Likely benign for Cardiomyopathy. Last evaluated: 2018-10-02. Review status: criteria provided, single submitter. Criteria: ACMG Guidelines, 2015. Collection method: clinical testing. Allele origin: germline.

GeneDx
Classification: Likely benign. Last evaluated: 2016-11-28. Review status: criteria provided, single submitter. Criteria: GeneDx Variant Classification (06012015). Collection method: clinical testing. Allele origin: germline. Affected: yes.
Comment: This variant is considered likely benign or benign based on one or more of the following criteria: it is a conservative change, it occurs at a poorly conserved position in the protein, it is predicted to be benign by multiple in silico algorithms, and/or has population frequency not consistent with disease.

NM_001005242.3(PKP2):c.1575C>T (p.Gly525=)

Gene: PKP2 (plakophilin 2; minus strand). Cytogenetic location: 12p11.21.
Variant type: single nucleotide variant.
Coding change: c.1575C>T on transcript NM_001005242.3 (MANE Select); coding-DNA position 1575, C replaced by T.
Protein change: p.Gly525=; no amino-acid change (glycine 525 retained).
Molecular consequence: synonymous variant.
Genome position (GRCh38, 1-based): chr12:32,824,144, G>A on the plus strand (C>T on the coding strand, the complement: PKP2 is on the minus strand). VCF-style: chr12-32824144-G-A. GRCh37 (hg19) VCF-style: chr12-32977078-G-A.
Other names: c.1707C>T, p.Gly569= (NM_004572.4).
Identifiers: ClinVar variation 391117 (VCV000391117.15), dbSNP rs780049494, ClinGen allele CA030459.